The following is an entry in ClinVar:

NM_005120.3(MED12):c.113C>G (p.Ala38Gly)

Gene: MED12 (mediator complex subunit 12; plus strand). Cytogenetic location: Xq13.1.
Variant type: single nucleotide variant.
Coding change: c.113C>G on transcript NM_005120.3 (MANE Select); coding-DNA position 113, C replaced by G.
Protein change: p.Ala38Gly; replaces alanine 38 with glycine.
Molecular consequence: missense variant.
Genome position (GRCh38, 1-based): chrX:71,119,386, C>G. VCF-style: chrX-71119386-C-G. GRCh37 (hg19) VCF-style: chrX-70339236-C-G.
Other names: short protein forms A38G.
Identifiers: ClinVar variation 3777289 (VCV003777289.1).

ClinVar aggregate classification (germline): Uncertain significance (1 of 4 stars; one submission).

Submission:

GeneDx
Classification: Uncertain significance. Last evaluated: 2024-10-13. Review status: criteria provided, single submitter. Criteria: GeneDx Variant Classification Process June 2021. Collection method: clinical testing. Allele origin: germline. Affected: yes.
Comment: Not observed at significant frequency in large population cohorts (gnomAD); In silico analysis indicates that this missense variant does not alter protein structure/function; Has not been previously published as pathogenic or benign to our knowledge; This variant is associated with the following publications: (PMID: 30619444)